The following is an entry in ClinVar:

NM_000133.4(F9):c.206G>A (p.Cys69Tyr)

Gene: F9 (coagulation factor IX; plus strand). Cytogenetic location: Xq27.1.
Variant type: single nucleotide variant.
Coding change: c.206G>A on transcript NM_000133.4 (MANE Select); coding-DNA position 206, G replaced by A.
Protein change: p.Cys69Tyr; replaces cysteine 69 with tyrosine.
Molecular consequence: missense variant.
Genome position (GRCh38, 1-based): chrX:139,537,127, G>A. VCF-style: chrX-139537127-G-A. GRCh37 (hg19) VCF-style: chrX-138619286-G-A.
Other names: c.206G>A, p.Cys69Tyr (NM_001313913.2); short protein forms C69Y.
Identifiers: ClinVar variation 994405 (VCV000994405.8), dbSNP rs1927497998, ClinGen allele CA414436035.

ClinVar aggregate classification (germline): Pathogenic (1 of 4 stars; one submission).

Submission:

ARUP Laboratories, Molecular Genetics and Genomics, ARUP Laboratories
Classification: Pathogenic. Last evaluated: 2019-08-29. Review status: criteria provided, single submitter. Criteria: ARUP Molecular Germline Variant Investigation Process. Collection method: clinical testing. Allele origin: germline.
Comment: The F9 c.206G>A; p.Cys69Tyr variant, also known as 6443G>A or Cys23Tyr, is reported in the literature in multiple individuals affected with severe hemophilia B (see link to Factor IX database and references therein; Chavali 2009, Giannelli 1994, Jenkins 2008, Yu 2012). This variant is absent from general population databases (Exome Variant Server, Genome Aggregation Database), indicating it is not a common polymorphism. The cysteine at codon 69 is highly conserved, and computational analyses (SIFT, PolyPhen-2) predict that this variant is deleterious. Additionally, other variants at this codon (c.205T>G; p.Cys69Gly, c.205T>C; p.Cys69Arg) have been reported in individuals with severe hemophilia B (see link to Factor IX database and references therein). Based on available information, the p.Cys69Tyr variant is considered to be pathogenic. References: Link to Factor IX database: Chavali S et al. Hemophilia B is a quasi-quantitative condition with certain mutations showing phenotypic plasticity. Genomics. 2009 Dec;94(6):433-7. Giannelli F et al. Haemophilia B: database of point mutations and short additions and deletions, fifth edition, 1994. Nucleic Acids Res. 1994 Sep;22(17):3534-46. Jenkins PV et al. Mutation analysis of haemophilia B in the Irish population: increased prevalence caused by founder effect. Haemophilia. 2008 Jul;14(4):717-22. Yu T et al. Spectrum of F9 mutations in Chinese haemophilia B patients: identification of 20 novel mutations. Pathology. 2012 Jun;44(4):342-7.